The following is an entry in ClinVar:

NM_000256.3(MYBPC3):c.529C>T (p.Arg177Cys)

Gene: MYBPC3 (myosin binding protein C3; minus strand). Cytogenetic location: 11p11.2.
Variant type: single nucleotide variant.
Coding change: c.529C>T on transcript NM_000256.3 (MANE Select); coding-DNA position 529, C replaced by T.
Protein change: p.Arg177Cys; replaces arginine 177 with cysteine.
Molecular consequence: missense variant.
Genome position (GRCh38, 1-based): chr11:47,349,899, G>A on the plus strand (C>T on the coding strand, the complement: MYBPC3 is on the minus strand). VCF-style: chr11-47349899-G-A. GRCh37 (hg19) VCF-style: chr11-47371450-G-A.
Other names: p.R177C:CGC>TGC; short protein forms R177C.
Identifiers: ClinVar variation 36613 (VCV000036613.45), dbSNP rs193922385, ClinGen allele CA015398.

ClinVar aggregate classification (germline): Conflicting classifications of pathogenicity. Review status: criteria provided, conflicting classifications (1 of 4 stars). 21 submissions from 20 submitters: Uncertain significance (14); Likely benign (2). 5 of the submissions do not count toward it. Last evaluated 2026-02-04.

Conditions:
MYBPC3-related disorder. Also called: MYBPC3-related disorders; MYBPC3-related condition; MYBPC3-related disease.
Cardiovascular phenotype. Identifiers: MedGen CN230736.
Left ventricular noncompaction 10 (LVNC10). Identifiers: Orphanet 154, Orphanet 54260, MedGen C3715165, MONDO:0014163, OMIM 615396.
Cardiomyopathy (CMYO). Also called: Cardiomyopathies. Identifiers: Orphanet 167848, MedGen C0878544, MONDO:0004994, HP:0001638. Inheritance: Various modes of inheritance.
Primary familial hypertrophic cardiomyopathy (HCM). Identifiers: Orphanet 99739, MedGen C0949658, MeSH D024741, MONDO:0024573. Inheritance: Various modes of inheritance.
Hypertrophic cardiomyopathy 4. Also called: Familial hypertrophic cardiomyopathy 4. Identifiers: MedGen C1861862, MONDO:0007268, OMIM 115197.
Hypertrophic cardiomyopathy. Also called: HYPERTROPHIC MYOCARDIOPATHY. Identifiers: Orphanet 217569, MedGen C0007194, MeSH D002312, MONDO:0005045, HP:0001639.

Allele frequency attached by ClinVar (database versions not stated): ExAC 0.00006; ESP Exome Variant Server 0.00008; gnomAD 0.00009 and 0.00010; TOPMed 0.00011.

Submissions 1 to 8 of 21:

PreventionGenetics, part of Exact Sciences
Classification: Uncertain significance for MYBPC3-related condition. Last evaluated: 2026-02-04. Review status: criteria provided, single submitter. Criteria: ACMG Guidelines, 2015. Collection method: clinical testing. Allele origin: germline.
Comment: The MYBPC3 c.529C>T variant is predicted to result in the amino acid substitution p.Arg177Cys. This variant was reported in individuals with hypertrophic cardiomyopathy or dilated cardiomyopathy (Table S1, Harris et al. 2011. PubMed ID: 21415409; Table S1B, Walsh et al. 2017. PubMed ID: 27532257; Table S4, Verdonschot et al. 2020. PubMed ID: 32880476; Table S2, Burstein et al. 2021. PubMed ID: 32746448). However, some individuals also harbored additional variants in cardiomyopathy-associated genes (Wells et al. 2011. PubMed ID: 24062880; Miller et al. 2013. PubMed ID: 23054336; Aljeaid et al. 2019. PubMed ID: 30762279). This variant was also documented in the general population and interpreted as likely benign in one study (Andreasen et al. 2013. PubMed ID: 23299917; Table S1, Whiffin et al. 2017. PubMed ID: 28518168). This variant is reported in 0.021% of alleles in individuals of East Asian descent in gnomAD and has conflicting interpretations of pathogenicity in ClinVar ranging from likely benign to uncertain (Variation ID: 36613). At this time, the clinical significance of this variant is uncertain due to the absence of conclusive functional and genetic evidence.

Labcorp Genetics (formerly Invitae), Labcorp
Classification: Uncertain significance for Hypertrophic cardiomyopathy. Last evaluated: 2026-01-21. Review status: criteria provided, single submitter. Criteria: Invitae Variant Classification Sherloc (09022015). Collection method: clinical testing. Allele origin: germline.
Comment: This sequence change replaces arginine, which is basic and polar, with cysteine, which is neutral and slightly polar, at codon 177 of the MYBPC3 protein (p.Arg177Cys). This variant is present in population databases (rs193922385, gnomAD 0.02%). This missense change has been observed in individual(s) with dilated or hypertrophic cardiomyopathy (PMID: 22555271, 24062880, 27532257, 30762279, 32746448, 32880476, 33782553, 36178741). ClinVar contains an entry for this variant (Variation ID: 36613). An algorithm developed to predict the effect of missense changes on protein structure and function (PolyPhen-2) suggests that this variant is likely to be disruptive. In summary, the available evidence is currently insufficient to determine the role of this variant in disease. Therefore, it has been classified as a Variant of Uncertain Significance.

Mayo Clinic Laboratories, Mayo Clinic
Classification: Uncertain significance. Last evaluated: 2025-10-07. Review status: criteria provided, single submitter. Criteria: ACMG Guidelines, 2015. Collection method: clinical testing. Allele origin: germline. Observed: 2 variant alleles.
Comment: BS1

GeneDx
Classification: Uncertain significance. Last evaluated: 2025-09-15. Review status: criteria provided, single submitter. Criteria: GeneDx Variant Classification Process June 2021. Collection method: clinical testing. Allele origin: germline. Affected: yes.
Comment: Identified in patients with cardiomyopathy in published literature; however, several patients harbored pathogenic or likely pathogenic variants in other cardiomyopathy-related genes (PMID: 23054336, 24503780, 27532257, 29447731, 30762279, 32880476, 32746448, 36178741, 37652022, Rippert2023[article]); Identified in a family with a history of DCM and congenital heart abnormalities; however, the proband from this family and other affected relatives also harbored a missense variant in the VCL gene, and the most severely affected individuals harbored both the MYBPC3 and VCL variants (PMID: 24062880); In silico analysis supports that this missense variant has a deleterious effect on protein structure/function; This variant is associated with the following publications: (PMID: 21415409, 27532257, 30762279, 25637381, 23299917, 22555271, 28518168, 33782553, 32880476, 32746448, 36178741, 34097875, 24503780, 29447731, 23054336, 37652022, Rippert2023[article], 37937776, 24062880)

Molecular Diagnostic Laboratory for Inherited Cardiovascular Disease, Montreal Heart Institute
Classification: Uncertain significance for Cardiovascular phenotype. Last evaluated: 2025-04-09. Review status: criteria provided, single submitter. Criteria: ACMG Guidelines, 2015. Collection method: clinical testing. Allele origin: germline. Affected: yes.
Comment: PM2

All of Us Research Program, National Institutes of Health
Classification: Uncertain significance for Hypertrophic cardiomyopathy. Last evaluated: 2024-08-23. Review status: criteria provided, single submitter. Criteria: ACMG Guidelines, 2015. Collection method: clinical testing. Allele origin: germline. Inheritance: Autosomal dominant inheritance. Observed: 36 variant alleles, 36 heterozygotes.
Comment: This missense variant replaces arginine with cysteine at codon 177 of the MYBPC3 protein. Computational prediction is inconclusive regarding the impact of this variant on protein structure and function (internally defined REVEL score threshold 0.5 < inconclusive < 0.7, PMID: 27666373). To our knowledge, functional studies have not been reported for this variant. This variant has been reported in two individuals affected with hypertrophic cardiomyopathy (PMID: 22555271, 30762279). One of these individuals carried a pathogenic truncating variant in the same gene (PMID: 22555271). This variant has been reported in individuals affected with dilated cardiomyopathy (PMID: 24503780, 24062880, 24503780, 27532257, 32746448, 32880476, 36178741). One of these individuals also carried a pathogenic variant in the MYH7 gene (PMID: 36178741). This variant has also been reported in an individual affected with non-compaction cardiomyopathy (PMID: 29447731). This variant has been identified in 17/265018 chromosomes in the general population by the Genome Aggregation Database (gnomAD). The available evidence is insufficient to determine the role of this variant in disease conclusively. Therefore, this variant is classified as a Variant of Uncertain Significance.

This study involves interpretation of variants in research participants for the purpose of population health screening. Participant phenotype was not available at the time of variant classification. Additional details can be found in publication PMID: 35346344, PMCID: PMC8962531

Blueprint Genetics
Classification: Likely benign. Last evaluated: 2024-07-17. Review status: criteria provided, single submitter. Criteria: ACMG Guidelines, 2015. Collection method: clinical testing. Allele origin: germline.

Color Diagnostics, LLC DBA Color Health
Classification: Uncertain significance for Cardiomyopathy. Last evaluated: 2024-07-10. Review status: criteria provided, single submitter. Criteria: ACMG Guidelines, 2015. Collection method: clinical testing. Allele origin: germline.
Comment: This missense variant replaces arginine with cysteine at codon 177 of the MYBPC3 protein. Computational prediction tools indicate that this variant has a deleterious impact on protein structure and function. To our knowledge, functional studies have not been reported for this variant. This variant has been reported in two individuals affected with hypertrophic cardiomyopathy (PMID: 22555271, 30762279). One of these individuals carried a pathogenic truncation variant in the same gene (PMID: 22555271). This variant has been reported in individuals affected with dilated cardiomyopathy (PMID: 24503780, 24062880, 24503780, 27532257, 32746448, 32880476, 36178741). One of these individuals also carried a pathogenic variant in the MYH7 gene (PMID: 36178741). This variant has also been reported in an individual affected with non-compaction cardiomyopathy (PMID: 29447731). This variant has been identified in 17/265018 chromosomes in the general population by the Genome Aggregation Database (gnomAD). The available evidence is insufficient to determine the role of this variant in disease conclusively. Therefore, this variant is classified as a Variant of Uncertain Significance.